The following is an entry in ClinVar:

ClinVar aggregate classification (germline): Pathogenic (1 of 4 stars; one submission).

Conditions:
Autism spectrum disorder - epilepsy - arthrogryposis syndrome (AMRS). Identifiers: Orphanet 370943, MedGen C3809910, MONDO:0014248, OMIM 615553.

Submission:

Labcorp Genetics (formerly Invitae), Labcorp
Classification: Pathogenic for Autism spectrum disorder - epilepsy - arthrogryposis syndrome. Last evaluated: 2023-12-02. Review status: criteria provided, single submitter. Criteria: Invitae Variant Classification Sherloc (09022015). Collection method: clinical testing. Allele origin: germline.
Comment: This sequence change creates a premature translational stop signal (p.Trp141*) in the SLC35A3 gene. It is expected to result in an absent or disrupted protein product. Loss-of-function variants in SLC35A3 are known to be pathogenic (PMID: 24031089, 28328131). This variant is not present in population databases (gnomAD no frequency). This variant has not been reported in the literature in individuals affected with SLC35A3-related conditions. For these reasons, this variant has been classified as Pathogenic.

Literature cited by the submitters: PubMed 24031089; PubMed 28328131.

NM_012243.3(SLC35A3):c.423G>A (p.Trp141Ter)

Gene: SLC35A3 (solute carrier family 35 member A3; plus strand). Cytogenetic location: 1p21.2.
Variant type: single nucleotide variant.
Coding change: c.423G>A on transcript NM_012243.3 (MANE Select); coding-DNA position 423, G replaced by A.
Protein change: p.Trp141Ter; replaces tryptophan 141 with a stop codon.
Molecular consequence: nonsense.
Genome position (GRCh38, 1-based): chr1:100,007,114, G>A. VCF-style: chr1-100007114-G-A. GRCh37 (hg19) VCF-style: chr1-100472670-G-A.
Other names: c.423G>A, p.Trp141Ter (NM_001271684.2); c.549G>A, p.Trp183Ter (NM_001271685.2); short protein forms W141*, W183*.
Identifiers: ClinVar variation 2983315 (VCV002983315.3), dbSNP rs2524514950, ClinGen allele CA341329866.